The following is an entry in ClinVar:

ClinVar aggregate classification (germline): Uncertain significance (1 of 4 stars; one submission).

Submission:

Labcorp Genetics (formerly Invitae), Labcorp
Classification: Uncertain significance. Last evaluated: 2023-05-20. Review status: criteria provided, single submitter. Criteria: Invitae Variant Classification Sherloc (09022015). Collection method: clinical testing. Allele origin: germline.
Comment: In summary, the available evidence is currently insufficient to determine the role of this variant in disease. Therefore, it has been classified as a Variant of Uncertain Significance. Advanced modeling of protein sequence and biophysical properties (such as structural, functional, and spatial information, amino acid conservation, physicochemical variation, residue mobility, and thermodynamic stability) performed at Invitae indicates that this missense variant is not expected to disrupt ROR2 protein function. This variant has not been reported in the literature in individuals affected with ROR2-related conditions. This variant is not present in population databases (gnomAD no frequency). This sequence change replaces isoleucine, which is neutral and non-polar, with valine, which is neutral and non-polar, at codon 202 of the ROR2 protein (p.Ile202Val).

NM_004560.4(ROR2):c.604A>G (p.Ile202Val)

Gene: ROR2 (receptor tyrosine kinase like orphan receptor 2; minus strand). Cytogenetic location: 9q22.31.
Variant type: single nucleotide variant.
Coding change: c.604A>G on transcript NM_004560.4 (MANE Select); coding-DNA position 604, A replaced by G.
Protein change: p.Ile202Val; replaces isoleucine 202 with valine.
Molecular consequence: missense variant.
Genome position (GRCh38, 1-based): chr9:91,737,409, T>C on the plus strand (A>G on the coding strand, the complement: ROR2 is on the minus strand). VCF-style: chr9-91737409-T-C. GRCh37 (hg19) VCF-style: chr9-94499691-T-C.
Other names: c.604A>G, p.Ile202Val (NM_001318204.2); short protein forms I202V.
Identifiers: ClinVar variation 2866448 (VCV002866448.3), dbSNP rs2490206918, ClinGen allele CA373801821.